The following is an entry in ClinVar:

NM_025099.6(CTC1):c.367G>T (p.Asp123Tyr)

Gene: CTC1 (CST telomere replication complex component 1; minus strand). Cytogenetic location: 17p13.1.
Variant type: single nucleotide variant.
Coding change: c.367G>T on transcript NM_025099.6 (MANE Select); coding-DNA position 367, G replaced by T.
Protein change: p.Asp123Tyr; replaces aspartic acid 123 with tyrosine.
Molecular consequence: missense variant. On other transcripts: non-coding transcript variant (1).
Genome position (GRCh38, 1-based): chr17:8,238,460, C>A on the plus strand (G>T on the coding strand, the complement: CTC1 is on the minus strand). VCF-style: chr17-8238460-C-A. GRCh37 (hg19) VCF-style: chr17-8141778-C-A.
Other names: c.367G>T (NM_025099.5); short protein forms D123Y.
Identifiers: ClinVar variation 1043666 (VCV001043666.6), dbSNP rs777260624, ClinGen allele CA8372646.

ClinVar aggregate classification (germline): Uncertain significance. Review status: criteria provided, multiple submitters, no conflicts (2 of 4 stars). 3 submissions from 3 submitters: Uncertain significance (3). Last evaluated 2024-11-15.

Conditions:
Dyskeratosis congenita. Identifiers: Orphanet 1775, MedGen C0265965, MONDO:0015780.
Inborn genetic diseases. Identifiers: MedGen C0950123, MeSH D030342.
Cerebroretinal microangiopathy with calcifications and cysts 1 (CRMCC1). Identifiers: Orphanet 313838, MedGen C4552029, MONDO:0024564, OMIM 612199.

Allele frequency attached by ClinVar (database versions not stated): gnomAD 0.00001; gnomAD exomes 0.00001 and 0.00004; TOPMed 0.00002; ExAC 0.00004.
gnomAD v4.1: 10 of 1,614,100 alleles (0.00062%); highest among the groups gnomAD compares: Admixed American, 0.015%; no homozygotes.

Submissions (3):

Labcorp Genetics (formerly Invitae), Labcorp
Classification: Uncertain significance for Dyskeratosis congenita. Last evaluated: 2024-11-15. Review status: criteria provided, single submitter. Criteria: Invitae Variant Classification Sherloc (09022015). Collection method: clinical testing. Allele origin: germline.
Comment: This sequence change replaces aspartic acid, which is acidic and polar, with tyrosine, which is neutral and polar, at codon 123 of the CTC1 protein (p.Asp123Tyr). This variant is present in population databases (rs777260624, gnomAD 0.02%). This variant has not been reported in the literature in individuals affected with CTC1-related conditions. ClinVar contains an entry for this variant (Variation ID: 1043666). Invitae Evidence Modeling of protein sequence and biophysical properties (such as structural, functional, and spatial information, amino acid conservation, physicochemical variation, residue mobility, and thermodynamic stability) indicates that this missense variant is not expected to disrupt CTC1 protein function with a negative predictive value of 80%. In summary, the available evidence is currently insufficient to determine the role of this variant in disease. Therefore, it has been classified as a Variant of Uncertain Significance.

Fulgent Genetics
Classification: Uncertain significance for Cerebroretinal microangiopathy with calcifications and cysts 1. Last evaluated: 2024-06-22. Review status: criteria provided, single submitter. Criteria: ACMG Guidelines, 2015. Collection method: clinical testing. Allele origin: germline.

Ambry Genetics
Classification: Uncertain significance for Inborn genetic diseases. Last evaluated: 2023-12-19. Review status: criteria provided, single submitter. Criteria: Ambry Variant Classification Scheme 2023. Collection method: clinical testing. Allele origin: germline.